The following is an entry in ClinVar:

NM_012338.4(TSPAN12):c.1A>G (p.Met1Val)

Gene: TSPAN12 (tetraspanin 12; minus strand). Cytogenetic location: 7q31.31.
Variant type: single nucleotide variant.
Coding change: c.1A>G on transcript NM_012338.4 (MANE Select); coding-DNA position 1, A replaced by G.
Protein change: p.Met1Val; changes the start codon (methionine 1).
Molecular consequence: missense variant, initiator codon variant.
Genome position (GRCh38, 1-based): chr7:120,856,763, T>C on the plus strand (A>G on the coding strand, the complement: TSPAN12 is on the minus strand). VCF-style: chr7-120856763-T-C. GRCh37 (hg19) VCF-style: chr7-120496817-T-C.
Other names: short protein forms M1V.
Identifiers: ClinVar variation 3709093 (VCV003709093.2).

ClinVar aggregate classification (germline): Pathogenic (1 of 4 stars; one submission).

Submission:

Labcorp Genetics (formerly Invitae), Labcorp
Classification: Pathogenic. Last evaluated: 2024-12-05. Review status: criteria provided, single submitter. Criteria: Invitae Variant Classification Sherloc (09022015). Collection method: clinical testing. Allele origin: germline.
Comment: This sequence change affects the initiator methionine of the TSPAN12 mRNA. The next in-frame methionine is located at codon 24. This variant is present in population databases (no rsID available, gnomAD 0.02%). Disruption of the initiator codon has been observed in individuals with familial exudative vitreoretinopathy (PMID: 29181528, 30452590, 31452356). It has also been observed to segregate with disease in related individuals. For these reasons, this variant has been classified as Pathogenic.

Literature cited by the submitters: PubMed 29181528; PubMed 30452590; PubMed 31452356.